The following is an entry in ClinVar:

ClinVar aggregate classification (germline): Benign/Likely benign. Review status: criteria provided, multiple submitters, no conflicts (2 of 4 stars). 7 submissions from 7 submitters: Benign (4); Likely benign (2). 1 of the submissions does not count toward it. Last evaluated 2026-01-27.

Conditions:
LMF1-related disorder. Also called: LMF1-related condition.
Cardiovascular phenotype. Identifiers: MedGen CN230736.

Allele frequency attached by ClinVar (database versions not stated): 1000 Genomes Project 30x 0.00375; 1000 Genomes Project 0.00379; TOPMed 0.01135; gnomAD 0.01215 and 0.01247; gnomAD exomes 0.01266; ExAC 0.01322; ESP Exome Variant Server 0.01366.
gnomAD v4.1: 28,612 of 1,612,846 alleles (1.8%); highest among the groups gnomAD compares: Non-Finnish European, 2.2%; 291 homozygotes.

Submissions (7):

Labcorp Genetics (formerly Invitae), Labcorp
Classification: Benign. Last evaluated: 2026-01-27. Review status: criteria provided, single submitter. Criteria: Invitae Variant Classification Sherloc (09022015). Collection method: clinical testing. Allele origin: germline.

Molecular Diagnostic Laboratory for Inherited Cardiovascular Disease, Montreal Heart Institute
Classification: Benign. Last evaluated: 2025-04-09. Review status: criteria provided, single submitter. Criteria: ACMG Guidelines, 2015. Collection method: clinical testing. Allele origin: germline. Affected: no.

Mayo Clinic Laboratories, Mayo Clinic
Classification: Benign. Last evaluated: 2023-07-13. Review status: criteria provided, single submitter. Criteria: ACMG Guidelines, 2015. Collection method: clinical testing. Allele origin: germline. Observed: 8 variant alleles.
Comment: BS1, BS2, BP4, BP7

GeneDx
Classification: Likely benign. Last evaluated: 2021-01-18. Review status: criteria provided, single submitter. Criteria: GeneDx Variant Classification Process June 2021. Collection method: clinical testing. Allele origin: germline. Affected: yes.

Ambry Genetics
Classification: Benign for Cardiovascular phenotype. Last evaluated: 2019-02-11. Review status: criteria provided, single submitter. Criteria: Ambry Variant Classification Scheme 2023. Collection method: clinical testing. Allele origin: germline.

Breakthrough Genomics
Classification: Likely benign. Review status: criteria provided, single submitter. Criteria: ACMG Guidelines, 2015. Collection method: not provided. Allele origin: germline. Inheritance: Autosomal recessive inheritance. Affected: yes.

PreventionGenetics, part of Exact Sciences
Classification: Benign for LMF1-related condition. Last evaluated: 2019-06-25. Review status: no assertion criteria provided. Collection method: clinical testing. Allele origin: germline. Not counted in ClinVar's aggregate classification.
Comment: This variant is classified as benign based on ACMG/AMP sequence variant interpretation guidelines (Richards et al. 2015 PMID: 25741868, with internal and published modifications).

NM_022773.4(LMF1):c.411G>A (p.Ser137=)

Gene: LMF1 (lipase maturation factor 1; minus strand). Cytogenetic location: 16p13.3.
Variant type: single nucleotide variant.
Coding change: c.411G>A on transcript NM_022773.4 (MANE Select); coding-DNA position 411, G replaced by A.
Protein change: p.Ser137=; no amino-acid change (serine 137 retained).
Molecular consequence: synonymous variant. On other transcripts: 5 prime UTR variant (3), non-coding transcript variant (1).
Genome position (GRCh38, 1-based): chr16:954,449, C>T on the plus strand (G>A on the coding strand, the complement: LMF1 is on the minus strand). VCF-style: chr16-954449-C-T. GRCh37 (hg19) VCF-style: chr16-1004449-C-T.
Other names: p.Ser137=; c.-393G>A (NM_001352017.2); c.-144G>A (NM_001352018.2); c.84G>A, p.Ser28= (NM_001352019.2); c.411G>A, p.Ser137= (NM_001352020.1); c.-295G>A (NM_001352021.2).
Identifiers: ClinVar variation 1199687 (VCV001199687.18), dbSNP rs117150036, ClinGen allele CA7797656.